The following is an entry in ClinVar:

ClinVar aggregate classification (germline): Likely benign (1 of 4 stars; one submission).

gnomAD v4.1: 7 of 1,211,129 alleles (0.00058%); highest among the groups gnomAD compares: Non-Finnish European, 0.00067%; no homozygotes.

Submission:

CeGaT Center for Human Genetics Tuebingen
Classification: Likely benign. Last evaluated: 2026-09-01. Review status: criteria provided, single submitter. Criteria: CeGaT Center For Human Genetics Tuebingen Variant Classification Criteria Version 2. Collection method: clinical testing. Allele origin: germline. Affected: yes. Observed: 1 variant allele.
Comment: BCOR: BP4, BS1

NM_001123385.2(BCOR):c.3400A>G (p.Arg1134Gly)

Gene: BCOR (BCL6 corepressor; minus strand). Cytogenetic location: Xp11.4.
Variant type: single nucleotide variant.
Coding change: c.3400A>G on transcript NM_001123385.2 (MANE Select); coding-DNA position 3400, A replaced by G.
Protein change: p.Arg1134Gly; replaces arginine 1134 with glycine.
Molecular consequence: missense variant.
Genome position (GRCh38, 1-based): chrX:40,064,438, T>C on the plus strand (A>G on the coding strand, the complement: BCOR is on the minus strand). VCF-style: chrX-40064438-T-C. GRCh37 (hg19) VCF-style: chrX-39923691-T-C.
Other names: c.3400A>G, p.Arg1134Gly (NM_001123383.2, NM_001437510.1, NM_001437511.1 and 2 more transcripts); c.3346A>G, p.Arg1116Gly (NM_001123384.2, NM_001438207.1); short protein forms R1116G, R1134G.
Identifiers: ClinVar variation 5041255 (VCV005041255.1).
Genomic context (GRCh38, chrX:40,064,438, plus strand): 5'-CTGGCACCTCCTCCGCAGTGGTCTCAGTGTGGCTGCTGTCACCTGAGACTTTGCGTTTCC[T>C]GTCCACCCGGAGGGTGGGGCTGTGAGGCATGTCCGAGGCCACCTGGTCTGCGGGAGGCTC-3'
Protein context (NP_001116857.1, residues 1124-1144): MPHSPTLRVD[Arg1134Gly]KRKVSGDSSH